The following is an entry in ClinVar:

NM_000143.4(FH):c.151C>A (p.Arg51=)

Gene: FH (fumarate hydratase; minus strand). Cytogenetic location: 1q43.
Variant type: single nucleotide variant.
Coding change: c.151C>A on transcript NM_000143.4 (MANE Select); coding-DNA position 151, C replaced by A.
Protein change: p.Arg51=; no amino-acid change (arginine 51 retained).
Molecular consequence: synonymous variant.
Genome position (GRCh38, 1-based): chr1:241,517,298, G>T on the plus strand (C>A on the coding strand, the complement: FH is on the minus strand). VCF-style: chr1-241517298-G-T. GRCh37 (hg19) VCF-style: chr1-241680598-G-T.
Identifiers: ClinVar variation 1035330 (VCV001035330.14), dbSNP rs778678782, ClinGen allele CA424076621.

ClinVar aggregate classification (germline): Benign/Likely benign. Review status: criteria provided, multiple submitters, no conflicts (2 of 4 stars). 4 submissions from 4 submitters: Benign (1); Likely benign (3). Last evaluated 2025-03-04.

Conditions:
Hereditary leiomyomatosis and renal cell cancer. Also called: LEIOMYOMA, MULTIPLE CUTANEOUS; MULTIPLE CUTANEOUS AND UTERINE LEIOMYOMATA 1, WITH OR WITHOUT RENAL CELL CARCINOMA; Reed syndrome; Multiple cutaneous and uterine leiomyomatosis; Cutaneous leiomyomata with uterine leiomyomata; Leiomyoma, hereditary multiple, of skin. Identifiers: Orphanet 523, MedGen C1708350, MONDO:0007888, OMIM 150800, HP:0007437. Disease mechanism: loss of function.
Hereditary cancer-predisposing syndrome. Also called: Tumor predisposition; Neoplastic Syndromes, Hereditary; Hereditary neoplastic syndrome; Hereditary Cancer Syndrome. Identifiers: Orphanet 140162, MedGen C0027672, MeSH D009386, MONDO:0015356.

gnomAD v4.1: 4 of 1,613,958 alleles (0.00025%); highest among the groups gnomAD compares: Non-Finnish European, 0.00034%; no homozygotes.

Submissions (4):

Center for Genomic Medicine, Rigshospitalet, Copenhagen University Hospital
Classification: Likely benign. Last evaluated: 2025-03-04. Review status: criteria provided, single submitter. Criteria: ACMG Guidelines, 2015. Collection method: clinical testing. Allele origin: germline.

Myriad Genetics, Inc.
Classification: Benign for Hereditary leiomyomatosis and renal cell cancer. Last evaluated: 2024-10-17. Review status: criteria provided, single submitter. Criteria: Myriad Autosomal Dominant, Autosomal Recessive and X-Linked Classification Criteria (2023). Collection method: clinical testing. Allele origin: unknown.
Comment: This variant is considered benign. This variant is a silent/synonymous amino acid change and it is not expected to impact splicing.

Labcorp Genetics (formerly Invitae), Labcorp
Classification: Likely benign. Last evaluated: 2023-12-14. Review status: criteria provided, single submitter. Criteria: Invitae Variant Classification Sherloc (09022015). Collection method: clinical testing. Allele origin: germline.

Ambry Genetics
Classification: Likely benign for Hereditary cancer-predisposing syndrome. Last evaluated: 2017-09-28. Review status: criteria provided, single submitter. Criteria: Ambry Variant Classification Scheme 2023. Collection method: clinical testing. Allele origin: germline.